The following is an entry in ClinVar:

ClinVar aggregate classification (germline): Pathogenic/Likely pathogenic. Review status: criteria provided, multiple submitters, no conflicts (2 of 4 stars). 2 submissions from 2 submitters: Pathogenic (1); Likely pathogenic (1). Last evaluated 2025-06-10.

Submissions (2):

ARUP Laboratories, Molecular Genetics and Genomics, ARUP Laboratories
Classification: Likely pathogenic. Last evaluated: 2025-06-10. Review status: criteria provided, single submitter. Criteria: ARUP Molecular Germline Variant Investigation Process 2024. Collection method: clinical testing. Allele origin: germline.
Comment: The SPTB c.453G>A; p.Trp151Ter variant, to our knowledge, is not reported in the medical literature or gene specific databases. This variant is also absent from the Genome Aggregation Database (v2.1.1), indicating it is not a common polymorphism. This variant induces an early termination codon and is predicted to result in a truncated protein or mRNA subject to nonsense-mediated decay. Based on available information, this variant is considered to be likely pathogenic.

Labcorp Genetics (formerly Invitae), Labcorp
Classification: Pathogenic. Last evaluated: 2025-04-17. Review status: criteria provided, single submitter. Criteria: Invitae Variant Classification Sherloc (09022015). Collection method: clinical testing. Allele origin: germline.
Comment: This sequence change creates a premature translational stop signal (p.Trp151*) in the SPTB gene. It is expected to result in an absent or disrupted protein product. Loss-of-function variants in SPTB are known to be pathogenic (PMID: 1391962, 1498324, 8844207, 26830532, 27292444). This variant is not present in population databases (gnomAD no frequency). This variant has not been reported in the literature in individuals affected with SPTB-related conditions. For these reasons, this variant has been classified as Pathogenic.

Literature cited by the submitters: PubMed 1391962 (cited by Labcorp Genetics (formerly Invitae), Labcorp); PubMed 1498324 (cited by Labcorp Genetics (formerly Invitae), Labcorp); PubMed 8844207 (cited by Labcorp Genetics (formerly Invitae), Labcorp); PubMed 26830532 (cited by Labcorp Genetics (formerly Invitae), Labcorp); PubMed 27292444 (cited by Labcorp Genetics (formerly Invitae), Labcorp).

NM_001355436.2(SPTB):c.453G>A (p.Trp151Ter)

Gene: SPTB (spectrin beta, erythrocytic; minus strand). Cytogenetic location: 14q23.3.
Variant type: single nucleotide variant.
Coding change: c.453G>A on transcript NM_001355436.2 (MANE Select); coding-DNA position 453, G replaced by A.
Protein change: p.Trp151Ter; replaces tryptophan 151 with a stop codon.
Molecular consequence: nonsense.
Genome position (GRCh38, 1-based): chr14:64,803,628, C>T on the plus strand (G>A on the coding strand, the complement: SPTB is on the minus strand). VCF-style: chr14-64803628-C-T. GRCh37 (hg19) VCF-style: chr14-65270346-C-T.
Other names: c.453G>A, p.Trp151Ter (NM_001024858.4, NM_001355437.2); short protein forms W151*.
Identifiers: ClinVar variation 4685873 (VCV004685873.2).